The following is an entry in ClinVar:

ClinVar aggregate classification (germline): Uncertain significance (1 of 4 stars; one submission).

Allele frequency attached by ClinVar (database versions not stated): gnomAD exomes 0.00001.
gnomAD v4.1: 14 of 1,612,522 alleles (0.00087%); highest among the groups gnomAD compares: South Asian, 0.0011%; no homozygotes.

Submission:

Labcorp Genetics (formerly Invitae), Labcorp
Classification: Uncertain significance. Last evaluated: 2025-02-24. Review status: criteria provided, single submitter. Criteria: Invitae Variant Classification Sherloc (09022015). Collection method: clinical testing. Allele origin: germline.
Comment: This sequence change replaces aspartic acid, which is acidic and polar, with valine, which is neutral and non-polar, at codon 58 of the HR protein (p.Asp58Val). This variant is present in population databases (rs781006612, gnomAD 0.002%). This variant has not been reported in the literature in individuals affected with HR-related conditions. ClinVar contains an entry for this variant (Variation ID: 1954563). An algorithm developed to predict the effect of missense changes on protein structure and function (PolyPhen-2) suggests that this variant is likely to be disruptive. In summary, the available evidence is currently insufficient to determine the role of this variant in disease. Therefore, it has been classified as a Variant of Uncertain Significance.

NM_005144.5(HR):c.173A>T (p.Asp58Val)

Gene: HR (HR lysine demethylase and nuclear receptor corepressor; minus strand). Cytogenetic location: 8p21.3.
Variant type: single nucleotide variant.
Coding change: c.173A>T on transcript NM_005144.5 (MANE Select); coding-DNA position 173, A replaced by T.
Protein change: p.Asp58Val; replaces aspartic acid 58 with valine.
Molecular consequence: missense variant.
Genome position (GRCh38, 1-based): chr8:22,128,998, T>A on the plus strand (A>T on the coding strand, the complement: HR is on the minus strand). VCF-style: chr8-22128998-T-A. GRCh37 (hg19) VCF-style: chr8-21986511-T-A.
Other names: c.173A>T, p.Asp58Val (NM_018411.4); short protein forms D58V.
Identifiers: ClinVar variation 1954563 (VCV001954563.5), dbSNP rs781006612, ClinGen allele CA173460936.